The following is an entry in ClinVar:

ClinVar aggregate classification (germline): Likely benign. Review status: criteria provided, multiple submitters, no conflicts (2 of 4 stars). 2 submissions from 2 submitters: Likely benign (2). Last evaluated 2024-11-05.

Conditions:
Fanconi anemia complementation group J. Also called: BRIP1-Related Fanconi Anemia. Identifiers: Orphanet 84, MedGen C1836860, MONDO:0012187, OMIM 609054.
Familial cancer of breast. Also called: BREAST CANCER, FAMILIAL; Hereditary breast cancer; hereditary breast carcinoma. Identifiers: Orphanet 227535, MedGen C0346153, MONDO:0016419, OMIM 114480. Disease mechanism: loss of function.

Submissions (2):

Labcorp Genetics (formerly Invitae), Labcorp
Classification: Likely benign for Familial cancer of breast; Fanconi anemia complementation group J. Last evaluated: 2024-11-05. Review status: criteria provided, single submitter. Criteria: Invitae Variant Classification Sherloc (09022015). Collection method: clinical testing. Allele origin: germline.

Myriad Genetics, Inc.
Classification: Likely benign for Familial cancer of breast. Last evaluated: 2024-08-22. Review status: criteria provided, single submitter. Criteria: Myriad Autosomal Dominant, Autosomal Recessive and X-Linked Classification Criteria (2023). Collection method: clinical testing. Allele origin: unknown.
Comment: This variant is considered likely benign. This variant is intronic and is not expected to impact mRNA splicing.

NM_032043.3(BRIP1):c.919-17dup

Gene: BRIP1 (BRCA1 interacting DNA helicase 1; minus strand). Cytogenetic location: 17q23.2.
Variant type: Duplication.
Coding change: c.919-17dup on transcript NM_032043.3 (MANE Select); 17 bases into the intron before coding-DNA position 919, one base duplicated (T; older notation c.919-17dupT).
Molecular consequence: intron variant.
Genome position (GRCh38, 1-based): chr17:61,801,491, A duplicated on the plus strand (T on the coding strand, the reverse complement: BRIP1 is on the minus strand). VCF-style (leftmost placement, unchanged base first): chr17-61801490-C-CA. GRCh37 (hg19) VCF-style: chr17-59878851-C-CA.
Identifiers: ClinVar variation 2940769 (VCV002940769.4), dbSNP rs2545157624, ClinGen allele CA2740093868.